The following is an entry in ClinVar:

ClinVar aggregate classification (germline): Uncertain significance (1 of 4 stars; one submission).

Submission:

CeGaT Center for Human Genetics Tuebingen
Classification: Uncertain significance. Last evaluated: 2025-08-01. Review status: criteria provided, single submitter. Criteria: CeGaT Center For Human Genetics Tuebingen Variant Classification Criteria Version 2. Collection method: clinical testing. Allele origin: germline. Affected: yes. Observed: 1 variant allele.
Comment: TSEN2: PM2

NM_025265.4(TSEN2):c.1025C>A (p.Thr342Asn)

Gene: TSEN2 (tRNA splicing endonuclease subunit 2; plus strand). Cytogenetic location: 3p25.2.
Variant type: single nucleotide variant.
Coding change: c.1025C>A on transcript NM_025265.4 (MANE Select); coding-DNA position 1025, C replaced by A.
Protein change: p.Thr342Asn; replaces threonine 342 with asparagine.
Molecular consequence: missense variant. On other transcripts: non-coding transcript variant (1).
Genome position (GRCh38, 1-based): chr3:12,519,123, C>A. VCF-style: chr3-12519123-C-A. GRCh37 (hg19) VCF-style: chr3-12560622-C-A.
Other names: c.1025C>A, p.Thr342Asn (NM_001145392.2, NM_001321277.2, NM_001321278.2); c.947C>A, p.Thr316Asn (NM_001145393.3, NM_001321279.2); c.848C>A, p.Thr283Asn (NM_001145394.2); short protein forms T283N, T316N, T342N.
Identifiers: ClinVar variation 4085850 (VCV004085850.8).